The following is an entry in ClinVar:

ClinVar aggregate classification (germline): Uncertain significance (1 of 4 stars; one submission).

Conditions:
Norman-Roberts syndrome (LIS2). Also called: Lissencephaly 2 (Norman-Roberts type). Identifiers: Orphanet 89844, MedGen C0796089, MONDO:0009760, OMIM 257320.
Familial temporal lobe epilepsy 7. Identifiers: Orphanet 101046, MedGen C4225327, MONDO:0014639, OMIM 616436.

Submission:

Labcorp Genetics (formerly Invitae), Labcorp
Classification: Uncertain significance for Familial temporal lobe epilepsy 7; Norman-Roberts syndrome. Last evaluated: 2022-08-31. Review status: criteria provided, single submitter. Criteria: Invitae Variant Classification Sherloc (09022015). Collection method: clinical testing. Allele origin: germline.
Comment: In summary, the available evidence is currently insufficient to determine the role of this variant in disease. Therefore, it has been classified as a Variant of Uncertain Significance. This variant has not been reported in the literature in individuals affected with RELN-related conditions. This variant results in a copy number gain of the genomic region encompassing exon(s) 51-65 of the RELN gene. This region includes the termination codon of the gene. This copy number gain extends beyond the assayed region for this gene and therefore may encompass additional genes. As the precise location of this event is unknown, it may be in tandem or it may be located elsewhere in the genome.

NC_000007.13:g.(?_102937907)_(103151472_?)dup

Genes: PMPCB (peptidase, mitochondrial processing subunit beta; plus strand), PSMC2 (proteasome 26S subunit, ATPase 2; plus strand), SLC26A5 (solute carrier family 26 member 5; minus strand), DNAJC2 (DnaJ heat shock protein family (Hsp40) member C2; minus strand), RELN (reelin; minus strand). Cytogenetic location: 7q22.1.
Variant type: Duplication.
Identifiers: ClinVar variation 1411331 (VCV001411331.5).